The following is an entry in ClinVar:

ClinVar aggregate classification (germline): Benign. Review status: criteria provided, single submitter (1 of 4 stars). 2 submissions from 2 submitters: Benign (1). 1 of the submissions does not count toward it. Last evaluated 2024-11-27.

Conditions:
REV3L-related disorder. Also called: REV3L-related condition.

Allele frequency attached by ClinVar (database versions not stated): 1000 Genomes Project 30x 0.58385; 1000 Genomes Project 0.58646; TOPMed 0.66231; gnomAD 0.67193; ESP Exome Variant Server 0.68622; ExAC 0.71588.
gnomAD v4.1: 1,240,888 of 1,613,726 alleles (77%); highest among the groups gnomAD compares: Non-Finnish European, 82%; 486,999 homozygotes.

Submissions (2):

Blueprint Genetics
Classification: Benign. Last evaluated: 2024-11-27. Review status: criteria provided, single submitter. Criteria: ACMG Guidelines, 2015. Collection method: clinical testing. Allele origin: germline.

PreventionGenetics, part of Exact Sciences
Classification: Benign for REV3L-related condition. Last evaluated: 2019-06-06. Review status: no assertion criteria provided. Collection method: clinical testing. Allele origin: germline. Not counted in ClinVar's aggregate classification.
Comment: This variant is classified as benign based on ACMG/AMP sequence variant interpretation guidelines (Richards et al. 2015 PMID: 25741868, with internal and published modifications).

NM_001372078.1(REV3L):c.4485G>A (p.Ser1495=)

Gene: REV3L (REV3 like, DNA directed polymerase zeta catalytic subunit; minus strand). Cytogenetic location: 6q21.
Variant type: single nucleotide variant.
Coding change: c.4485G>A on transcript NM_001372078.1 (MANE Select); coding-DNA position 4485, G replaced by A.
Protein change: p.Ser1495=; no amino-acid change (serine 1495 retained).
Molecular consequence: synonymous variant.
Genome position (GRCh38, 1-based): chr6:111,373,870, C>T on the plus strand (G>A on the coding strand, the complement: REV3L is on the minus strand). VCF-style: chr6-111373870-C-T. GRCh37 (hg19) VCF-style: chr6-111695073-C-T.
Other names: c.4251G>A, p.Ser1417= (NM_001286431.2, NM_001286432.2); c.4485G>A, p.Ser1495= (NM_002912.5).
Identifiers: ClinVar variation 3059928 (VCV003059928.3), dbSNP rs455645, ClinGen allele CA3961999.